The following is an entry in ClinVar:

NM_022051.3(EGLN1):c.366_389dup (p.Ala124_Ala131dup)

Gene: EGLN1 (egl-9 family hypoxia inducible factor 1; minus strand). Cytogenetic location: 1q42.2.
Variant type: Duplication.
Coding change: c.366_389dup on transcript NM_022051.3 (MANE Select); coding-DNA positions 366 to 389, 24 bases duplicated (GGCCGCGTCGCCGTGTCGTGCGGC).
Protein change: p.Ala124_Ala131dup.
Molecular consequence: inframe insertion.
Genome position (GRCh38, 1-based): chr1:231,421,500-231,421,523, GCCGCACGACACGGCGACGCGGCC duplicated on the plus strand (GGCCGCGTCGCCGTGTCGTGCGGC on the coding strand, the reverse complement: EGLN1 is on the minus strand); duplicating any 24 consecutive bases within chr1:231,421,500-231,421,528 gives the same sequence; the c. name uses the placement nearest the transcript's 3' end. VCF-style (leftmost placement, unchanged base first): chr1-231421499-G-GGCCGCACGACACGGCGACGCGGCC. GRCh37 (hg19) VCF-style: chr1-231557245-G-GGCCGCACGACACGGCGACGCGGCC.
Other names: c.366_389dup, p.Ala124_Ala131dup (NM_001377260.1, NM_001377261.1); c.366_389dup24 (NM_022051.2).
Identifiers: ClinVar variation 665404 (VCV000665404.5), dbSNP rs1470968362, ClinGen allele CA915942057.
Genomic context (GRCh38, chr1:231,421,499, plus strand): 5'-CGGCGGCTCCTCCTTGCCGGGCTCGGCTTCGGCAGCCACCGCCGAGCCCTGGCCGCCGGC[G>GGCCGCACGACACGGCGACGCGGCC]GCCGCACGACACGGCGACGCGGCCGCCGCTGGGTCGGCCGGGGGCTTGGCCTTTACTTTT-3'

ClinVar aggregate classification (germline): Uncertain significance (1 of 4 stars; one submission).

Conditions:
Erythrocytosis, familial, 3 (ECYT3). Identifiers: Orphanet 247511, MedGen C1853286, MONDO:0012353, OMIM 609820.

Submission:

Labcorp Genetics (formerly Invitae), Labcorp
Classification: Uncertain significance for Erythrocytosis, familial, 3. Last evaluated: 2022-10-17. Review status: criteria provided, single submitter. Criteria: Invitae Variant Classification Sherloc (09022015). Collection method: clinical testing. Allele origin: germline.
Comment: This variant, c.366_389dup24, results in the insertion of 8 amino acid(s) of the EGLN1 protein (p.Ala124_Ala131dup), but otherwise preserves the integrity of the reading frame. This variant is not present in population databases (gnomAD no frequency). This variant has not been reported in the literature in individuals affected with EGLN1-related conditions. Experimental studies and prediction algorithms are not available or were not evaluated, and the functional significance of this variant is currently unknown. In summary, the available evidence is currently insufficient to determine the role of this variant in disease. Therefore, it has been classified as a Variant of Uncertain Significance.